The following is an entry in ClinVar:

NM_004656.4(BAP1):c.308G>A (p.Cys103Tyr)

Gene: BAP1 (BRCA1 associated deubiquitinase 1; minus strand). Cytogenetic location: 3p21.1.
Variant type: single nucleotide variant.
Coding change: c.308G>A on transcript NM_004656.4 (MANE Select); coding-DNA position 308, G replaced by A.
Protein change: p.Cys103Tyr; replaces cysteine 103 with tyrosine.
Molecular consequence: missense variant.
Genome position (GRCh38, 1-based): chr3:52,408,025, C>T on the plus strand (G>A on the coding strand, the complement: BAP1 is on the minus strand). VCF-style: chr3-52408025-C-T. GRCh37 (hg19) VCF-style: chr3-52442041-C-T.
Other names: c.308G>A, p.Cys103Tyr (NM_001410772.1); short protein forms C103Y.
Identifiers: ClinVar variation 4715618 (VCV004715618.1).

ClinVar aggregate classification (germline): Uncertain significance (1 of 4 stars; one submission).

Conditions:
BAP1-related tumor predisposition syndrome (TPDS1). Also called: Tumor susceptibility linked to germline BAP1 mutations; BAP1 tumor predisposition syndrome; COMMON Syndrome; TUMOR PREDISPOSITION SYNDROME 1. Identifiers: Orphanet 289539, MedGen C3280492, MONDO:0013692, OMIM 614327.

Submission:

Labcorp Genetics (formerly Invitae), Labcorp
Classification: Uncertain significance for BAP1-related tumor predisposition syndrome. Last evaluated: 2025-08-10. Review status: criteria provided, single submitter. Criteria: Invitae Variant Classification Sherloc (09022015). Collection method: clinical testing. Allele origin: germline.
Comment: This sequence change replaces cysteine, which is neutral and slightly polar, with tyrosine, which is neutral and polar, at codon 103 of the BAP1 protein (p.Cys103Tyr). This variant is not present in population databases (gnomAD no frequency). This variant has not been reported in the literature in individuals affected with BAP1-related conditions. Invitae Evidence Modeling of protein sequence and biophysical properties (such as structural, functional, and spatial information, amino acid conservation, physicochemical variation, residue mobility, and thermodynamic stability) indicates that this missense variant is expected to disrupt BAP1 protein function with a positive predictive value of 80%. In summary, the available evidence is currently insufficient to determine the role of this variant in disease. Therefore, it has been classified as a Variant of Uncertain Significance.